The following is an entry in ClinVar:

NM_014679.5(CEP57):c.1357C>A (p.Arg453Ser)

Gene: CEP57 (centrosomal protein 57; plus strand). Cytogenetic location: 11q21.
Variant type: single nucleotide variant.
Coding change: c.1357C>A on transcript NM_014679.5 (MANE Select); coding-DNA position 1357, C replaced by A.
Protein change: p.Arg453Ser; replaces arginine 453 with serine.
Molecular consequence: missense variant.
Genome position (GRCh38, 1-based): chr11:95,831,110, C>A. VCF-style: chr11-95831110-C-A. GRCh37 (hg19) VCF-style: chr11-95564274-C-A.
Other names: c.1330C>A, p.Arg444Ser (NM_001243776.2); c.1279C>A, p.Arg427Ser (NM_001243777.2); c.1276C>A, p.Arg426Ser (NM_001363604.2); short protein forms R453S, R444S, R426S, R427S.
Identifiers: ClinVar variation 3490817 (VCV003490817.1).

ClinVar aggregate classification (germline): Uncertain significance (1 of 4 stars; one submission).

Conditions:
Inborn genetic diseases. Identifiers: MedGen C0950123, MeSH D030342.

Submission:

Ambry Genetics
Classification: Uncertain significance for Inborn genetic diseases. Last evaluated: 2024-10-17. Review status: criteria provided, single submitter. Criteria: Ambry Variant Classification Scheme 2023. Collection method: clinical testing. Allele origin: germline.
Comment: The p.R453S variant (also known as c.1357C>A), located in coding exon 11 of the CEP57 gene, results from a C to A substitution at nucleotide position 1357. The arginine at codon 453 is replaced by serine, an amino acid with dissimilar properties. This amino acid position is conserved. In addition, this alteration is predicted to be tolerated by in silico analysis. Based on the available evidence, the clinical significance of this variant remains unclear.